The following is an entry in ClinVar:

ClinVar aggregate classification (germline): Pathogenic (1 of 4 stars; one submission).

Conditions:
Peutz-Jeghers syndrome (PJS). Also called: POLYPOSIS, HAMARTOMATOUS INTESTINAL; POLYPS-AND-SPOTS SYNDROME; Peutz-Jeghers polyposis; Periorificial lentiginosis syndrome. Identifiers: Orphanet 2869, MedGen C0031269, MeSH D010580, MONDO:0008280, OMIM 175200.

Submission:

Labcorp Genetics (formerly Invitae), Labcorp
Classification: Pathogenic for Peutz-Jeghers syndrome. Last evaluated: 2020-10-09. Review status: criteria provided, single submitter. Criteria: Invitae Variant Classification Sherloc (09022015). Collection method: clinical testing. Allele origin: germline.
Comment: For these reasons, this variant has been classified as Pathogenic. Donor and acceptor splice site variants typically lead to a loss of protein function (PMID: 16199547), and loss-of-function variants in STK11 are known to be pathogenic (PMID: 15188174, 16287113). Algorithms developed to predict the effect of sequence changes on RNA splicing suggest that this variant may disrupt the consensus splice site, but this prediction has not been confirmed by published transcriptional studies. This variant has been observed in individual(s) with clinical features of Peutz-Jeghers syndrome (PMID: 12372054, Invitae). ClinVar contains an entry for this variant (Variation ID: 657009). This variant is not present in population databases (ExAC no frequency). This sequence change affects a donor splice site in intron 7 of the STK11 gene. It is expected to disrupt RNA splicing and likely results in an absent or disrupted protein product.

Literature cited by the submitters: PubMed 16199547; PubMed 15188174; PubMed 16287113; PubMed 12372054.

NM_000455.5(STK11):c.920+1del

Gene: STK11 (serine/threonine kinase 11; plus strand). Cytogenetic location: 19p13.3.
Variant type: Deletion.
Coding change: c.920+1del on transcript NM_000455.5 (MANE Select); the canonical splice donor site of the intron after coding-DNA position 920, one base deleted (G; older notation c.920+1delG).
Molecular consequence: splice donor variant.
Genome position (GRCh38, 1-based): chr19:1,222,007, G deleted; the last of 2 consecutive G bases (chr19:1,222,006-1,222,007); deleting either gives the same sequence. VCF-style (leftmost placement, unchanged base first): chr19-1222005-AG-A. GRCh37 (hg19) VCF-style: chr19-1222004-AG-A.
Other names: c.920+1delG (NM_000455.4); c.920+1del (NM_001407255.1).
Identifiers: ClinVar variation 657009 (VCV000657009.9), dbSNP rs1599928360, ClinGen allele CA915951594.